The following is an entry in ClinVar:

ClinVar aggregate classification (germline): Likely pathogenic (1 of 4 stars; one submission).

Conditions:
Cardiovascular phenotype. Identifiers: MedGen CN230736.

gnomAD v4.1: 1 of 1,613,718 alleles (0.000062%); highest among the groups gnomAD compares: Non-Finnish European, 0.000085%; no homozygotes.

Submission:

Ambry Genetics
Classification: Likely pathogenic for Cardiovascular phenotype. Last evaluated: 2026-07-08. Review status: criteria provided, single submitter. Criteria: Ambry Variant Classification Scheme 2023. Collection method: clinical testing. Allele origin: germline.
Comment: The c.2250+1G>T intronic variant consists of a G to T substitution one nucleotide after exon 14 (coding exon 14) of the DSC2 gene. Variants that disrupt the canonical splice site are expected to cause aberrant splicing, resulting in an abnormal protein or a transcript that is subject to nonsense-mediated mRNA decay. This variant was not reported in population-based cohorts in the Genome Aggregation Database (gnomAD). This nucleotide position is highly conserved in available vertebrate species. In silico splice site analysis predicts that this alteration will weaken the native splice donor site and will result in the creation or strengthening of a novel splice donor site. Based on the available evidence, this alteration is classified as likely pathogenic.

NM_024422.6(DSC2):c.2250+1G>T

Gene: DSC2 (desmocollin 2; minus strand). Cytogenetic location: 18q12.1.
Variant type: single nucleotide variant.
Coding change: c.2250+1G>T on transcript NM_024422.6 (MANE Select); the canonical splice donor site of the intron after coding-DNA position 2250, G replaced by T.
Molecular consequence: splice donor variant.
Genome position (GRCh38, 1-based): chr18:31,070,725, C>A on the plus strand (G>T on the coding strand, the complement: DSC2 is on the minus strand). VCF-style: chr18-31070725-C-A. GRCh37 (hg19) VCF-style: chr18-28650691-C-A.
Other names: c.2250+1G>T (NM_004949.5); c.1821+1G>T (NM_001406506.1, NM_001406507.1).
Identifiers: ClinVar variation 3273784 (VCV003273784.2).
Genomic context (GRCh38, chr18:31,070,725, plus strand): 5'-AGGAATACGCATTATAAGCGAATTCATCCTTTGTATTTATTTAAAAAGCCAGACTACTTA[C>A]CACTTTGTCATCTCCAGGAGCTTCTGTGTTTGATACAATTAGGTTCTGCTGGGCTAAATC-3'